The following is an entry in ClinVar:

ClinVar aggregate classification (germline): Pathogenic (0 of 4 stars; one submission).

Conditions:
Pyruvate dehydrogenase E1-alpha deficiency (PDHAD). Also called: ATAXIA, INTERMITTENT, WITH PYRUVATE DEHYDROGENASE DEFICIENCY; ATAXIA WITH LACTIC ACIDOSIS I; ATAXIA, INTERMITTENT, WITH ABNORMAL PYRUVATE METABOLISM; Ataxia, intermittent, with pyruvate dehydrogenase, or decarboxylase, deficiency. Identifiers: Orphanet 79243, MedGen C1839413, MONDO:0010717, OMIM 312170.

Submission:

PDHA1 Study Group, University Children’s Hospital, Paracelsus Medical University
Classification: Pathogenic for Pyruvate dehydrogenase E1-alpha deficiency. Last evaluated: 2024-10-15. Review status: no assertion criteria provided. Collection method: research. Allele origin: germline. Affected: yes. Observed: 3 variant alleles.
Comment: The NM_000284.3:c.831+1G>A (p.?) variant affects splicing in PDHA1 gene. In total, 3 individuals were diagnosed with PDHA1-related Pyruvate dehydrogenase complex (PDHc) deficiency (MIM #312170). The variant has been reported in 2 published cases (PMIDs: 28918066). Last literature search: July 12, 2024. This variant is absent or extremely rare in population-based cohorts in the Genome Aggregation Database (gnomAD). Individuals harboring this variant presented with clinical features compatible with PDHA1-related PDHc deficiency. In summary, this variant meets criteria to be classified as pathogenic (P) for PDHA1-related PDHc deficiency based on the ACMG/AMP criteria applied: PVS1, PS3, PM2, PM7 (last assessment October 15, 2024).

Literature cited by the submitters: PubMed 28918066; DOI 10.1093/brain/awaf430.

NM_000284.4(PDHA1):c.831+1G>A

Gene: PDHA1 (pyruvate dehydrogenase E1 subunit alpha 1; plus strand). Cytogenetic location: Xp22.12.
Variant type: single nucleotide variant.
Coding change: c.831+1G>A on transcript NM_000284.4 (MANE Select); the canonical splice donor site of the intron after coding-DNA position 831, G replaced by A.
Molecular consequence: splice donor variant.
Genome position (GRCh38, 1-based): chrX:19,355,758, G>A. VCF-style: chrX-19355758-G-A. GRCh37 (hg19) VCF-style: chrX-19373876-G-A.
Other names: c.945+1G>A (NM_001173454.2); c.852+1G>A (NM_001173455.2); c.738+1G>A (NM_001173456.2).
Identifiers: ClinVar variation 4070491 (VCV004070491.1).